The following is an entry in ClinVar:

ClinVar aggregate classification (germline): Uncertain significance. Review status: criteria provided, multiple submitters, no conflicts (2 of 4 stars). 2 submissions from 2 submitters: Uncertain significance (2). Last evaluated 2025-09-10.

Conditions:
Inborn genetic diseases. Identifiers: MedGen C0950123, MeSH D030342.

Submissions (2):

Ambry Genetics
Classification: Uncertain significance for Inborn genetic diseases. Last evaluated: 2025-09-10. Review status: criteria provided, single submitter. Criteria: Ambry Variant Classification Scheme 2023. Collection method: clinical testing. Allele origin: germline.
Comment: The p.R119G variant (also known as c.355A>G), located in coding exon 3 of the MBD4 gene, results from an A to G substitution at nucleotide position 355. The arginine at codon 119 is replaced by glycine, an amino acid with dissimilar properties. This amino acid position is conserved. In addition, this alteration is predicted to be deleterious by in silico analysis. Based on the available evidence, the clinical significance of this variant remains unclear.

Labcorp Genetics (formerly Invitae), Labcorp
Classification: Uncertain significance. Last evaluated: 2024-07-03. Review status: criteria provided, single submitter. Criteria: Invitae Variant Classification Sherloc (09022015). Collection method: clinical testing. Allele origin: germline.
Comment: This sequence change replaces arginine, which is basic and polar, with glycine, which is neutral and non-polar, at codon 119 of the MBD4 protein (p.Arg119Gly). This variant is not present in population databases (gnomAD no frequency). This variant has not been reported in the literature in individuals affected with MBD4-related conditions. An algorithm developed to predict the effect of missense changes on protein structure and function (PolyPhen-2) suggests that this variant is likely to be disruptive. In summary, the available evidence is currently insufficient to determine the role of this variant in disease. Therefore, it has been classified as a Variant of Uncertain Significance.

NM_001276270.2(MBD4):c.355A>G (p.Arg119Gly)

Gene: MBD4 (methyl-CpG binding domain 4, DNA glycosylase; minus strand). Cytogenetic location: 3q21.3.
Variant type: single nucleotide variant.
Coding change: c.355A>G on transcript NM_001276270.2 (MANE Select); coding-DNA position 355, A replaced by G.
Protein change: p.Arg119Gly; replaces arginine 119 with glycine.
Molecular consequence: missense variant. On other transcripts: intron variant (1).
Genome position (GRCh38, 1-based): chr3:129,437,289, T>C on the plus strand (A>G on the coding strand, the complement: MBD4 is on the minus strand). VCF-style: chr3-129437289-T-C. GRCh37 (hg19) VCF-style: chr3-129156132-T-C.
Other names: c.355A>G, p.Arg119Gly (NM_001276271.2, NM_001276272.2, NM_003925.3); c.247+519A>G (NM_001276273.2); short protein forms R119G.
Identifiers: ClinVar variation 3656760 (VCV003656760.3).